The following is an entry in ClinVar:

NM_000138.5(FBN1):c.1714+4A>G

Gene: FBN1 (fibrillin 1; minus strand). Cytogenetic location: 15q21.1.
Variant type: single nucleotide variant.
Coding change: c.1714+4A>G on transcript NM_000138.5 (MANE Select); 4 bases into the intron after coding-DNA position 1714, A replaced by G.
Molecular consequence: intron variant.
Genome position (GRCh38, 1-based): chr15:48,510,040, T>C on the plus strand (A>G on the coding strand, the complement: FBN1 is on the minus strand). VCF-style: chr15-48510040-T-C. GRCh37 (hg19) VCF-style: chr15-48802237-T-C.
Identifiers: ClinVar variation 1678375 (VCV001678375.6), dbSNP rs1189850321, ClinGen allele CA617840046.
Genomic context (GRCh38, chr15:48,510,040, plus strand): 5'-TAAAGACCCCTGATATTGAAACTGCAATGGAAGGAGAGGACTAACATTAGTATACTATTA[T>C]TACCTTCACAGTTCTTCCCATCTCGTGTAACATGAAAGCCCGCATTACACACGCAATGAA-3'

ClinVar aggregate classification (germline): Uncertain significance. Review status: criteria provided, multiple submitters, no conflicts (2 of 4 stars). 4 submissions from 4 submitters: Uncertain significance (4). Last evaluated 2023-10-23.

Conditions:
Marfan syndrome (MFS). Also called: Marfan syndrome, classic; MARFAN SYNDROME, TYPE I; Marfan syndrome type 1; Marfan's syndrome; FBN1-Related Marfan Syndrome. Identifiers: Orphanet 284963, Orphanet 558, MedGen C0024796, MONDO:0007947, OMIM 154700.
Familial thoracic aortic aneurysm and aortic dissection (TAAD). Also called: Thoracic aortic aneurysms and dissections. Identifiers: Orphanet 91387, MedGen C4707243, MONDO:0019625.

Allele frequency attached by ClinVar (database versions not stated): gnomAD exomes below 0.00001.
gnomAD v4.1: 2 of 1,613,026 alleles (0.00012%); highest among the groups gnomAD compares: East Asian, 0.0022%; no homozygotes.

Submissions (4):

All of Us Research Program, National Institutes of Health
Classification: Uncertain significance for Marfan syndrome. Last evaluated: 2023-10-23. Review status: criteria provided, single submitter. Criteria: ACMG Guidelines, 2015. Collection method: clinical testing. Allele origin: germline. Inheritance: Autosomal dominant inheritance. Observed: 1 variant allele, 1 heterozygote.
Comment: This variant causes an A to G nucleotide substitution at the +4 position of intron 14 of the FBN1 gene. To our knowledge, functional studies have not been reported for this variant. This variant has not been reported in individuals affected with FBN1-related disorders in the literature. This variant has been identified in 1/251196 chromosomes in the general population by the Genome Aggregation Database (gnomAD). The available evidence is insufficient to determine the role of this variant in disease conclusively. Therefore, this variant is classified as a Variant of Uncertain Significance.

This study involves interpretation of variants in research participants for the purpose of population health screening. Participant phenotype was not available at the time of variant classification. Additional details can be found in publication PMID: 35346344, PMCID: PMC8962531

Color Diagnostics, LLC DBA Color Health
Classification: Uncertain significance for Familial thoracic aortic aneurysm and aortic dissection. Last evaluated: 2023-10-05. Review status: criteria provided, single submitter. Criteria: ACMG Guidelines, 2015. Collection method: clinical testing. Allele origin: germline.
Comment: This variant causes an A to G nucleotide substitution at the +4 position of intron 14 of the FBN1 gene. To our knowledge, functional studies have not been reported for this variant. This variant has not been reported in individuals affected with FBN1-related disorders in the literature. This variant has been identified in 1/251196 chromosomes in the general population by the Genome Aggregation Database (gnomAD). The available evidence is insufficient to determine the role of this variant in disease conclusively. Therefore, this variant is classified as a Variant of Uncertain Significance.

Labcorp Genetics (formerly Invitae), Labcorp
Classification: Uncertain significance for Marfan syndrome; Familial thoracic aortic aneurysm and aortic dissection. Last evaluated: 2023-06-15. Review status: criteria provided, single submitter. Criteria: Invitae Variant Classification Sherloc (09022015). Collection method: clinical testing. Allele origin: germline.
Comment: Variants that disrupt the consensus splice site are a relatively common cause of aberrant splicing (PMID: 17576681, 9536098). Algorithms developed to predict the effect of sequence changes on RNA splicing suggest that this variant is not likely to affect RNA splicing. This sequence change falls in intron 14 of the FBN1 gene. It does not directly change the encoded amino acid sequence of the FBN1 protein. It affects a nucleotide within the consensus splice site. This variant is present in population databases (no rsID available, gnomAD 0.003%). This variant has not been reported in the literature in individuals affected with FBN1-related conditions. ClinVar contains an entry for this variant (Variation ID: 1678375). In summary, the available evidence is currently insufficient to determine the role of this variant in disease. Therefore, it has been classified as a Variant of Uncertain Significance.

AiLife Diagnostics
Classification: Uncertain significance. Last evaluated: 2021-04-13. Review status: criteria provided, single submitter. Criteria: ACMG Guidelines, 2015. Collection method: clinical testing. Allele origin: germline. Affected: yes. Observed: 1 variant allele.

Literature cited by the submitters: PubMed 17576681 (cited by Labcorp Genetics (formerly Invitae), Labcorp); PubMed 9536098 (cited by Labcorp Genetics (formerly Invitae), Labcorp).